The following is an entry in ClinVar:

ClinVar aggregate classification (germline): Uncertain significance (1 of 4 stars; one submission).

Submission:

Greenwood Genetic Center Diagnostic Laboratories, Greenwood Genetic Center
Classification: Uncertain significance. Last evaluated: 2022-03-30. Review status: criteria provided, single submitter. Criteria: ACMG Guidelines, 2015. Collection method: clinical testing. Allele origin: germline. Affected: yes.
Comment: Gene of Uncertain Significance

NM_004229.4(MED14):c.2005C>G (p.Gln669Glu)

Gene: MED14 (mediator complex subunit 14; minus strand). Cytogenetic location: Xp11.4.
Variant type: single nucleotide variant.
Coding change: c.2005C>G on transcript NM_004229.4 (MANE Select); coding-DNA position 2005, C replaced by G.
Protein change: p.Gln669Glu; replaces glutamine 669 with glutamic acid.
Molecular consequence: missense variant.
Genome position (GRCh38, 1-based): chrX:40,688,506, G>C on the plus strand (C>G on the coding strand, the complement: MED14 is on the minus strand). VCF-style: chrX-40688506-G-C. GRCh37 (hg19) VCF-style: chrX-40547758-G-C.
Other names: short protein forms Q669E.
Identifiers: ClinVar variation 1676509 (VCV001676509.3), dbSNP rs2146667617, ClinGen allele CA412782307.